The following is an entry in ClinVar:

NM_001267550.2(TTN):c.44035C>T (p.Arg14679Ter)

Gene: TTN (titin; minus strand). Cytogenetic location: 2q31.2.
Variant type: single nucleotide variant.
Coding change: c.44035C>T on transcript NM_001267550.2 (MANE Select); coding-DNA position 44035, C replaced by T.
Protein change: p.Arg14679Ter; replaces arginine 14679 with a stop codon.
Molecular consequence: nonsense.
Genome position (GRCh38, 1-based): chr2:178,630,923, G>A on the plus strand (C>T on the coding strand, the complement: TTN is on the minus strand). VCF-style: chr2-178630923-G-A. GRCh37 (hg19) VCF-style: chr2-179495650-G-A.
Other names: c.39112C>T, p.Arg13038Ter (NM_001256850.1); c.16840C>T, p.Arg5614Ter (NM_003319.4); c.36331C>T, p.Arg12111Ter (NM_133378.4); c.17215C>T, p.Arg5739Ter (NM_133432.3); c.17416C>T, p.Arg5806Ter (NM_133437.4); c.44035C>T (NM_001267550.1); short protein forms R14679*, R12111*, R5806*, R5614*, R5739*, R13038*.
Identifiers: ClinVar variation 571684 (VCV000571684.16), dbSNP rs776970935, ClinGen allele CA1995766.

ClinVar aggregate classification (germline): Pathogenic/Likely pathogenic. Review status: criteria provided, multiple submitters, no conflicts (2 of 4 stars). 4 submissions from 4 submitters: Pathogenic (1); Likely pathogenic (3). Last evaluated 2025-11-03.

Conditions:
Dilated cardiomyopathy 1G (CMD1G). Identifiers: Orphanet 154, MedGen C1858763, MONDO:0011400, OMIM 604145.
Autosomal recessive limb-girdle muscular dystrophy type 2J (LGMDR10). Also called: Limb-girdle muscular dystrophy, type 2J; MUSCULAR DYSTROPHY, LIMB-GIRDLE, AUTOSOMAL RECESSIVE 10. Identifiers: Orphanet 140922, MedGen C1837342, MONDO:0012127, OMIM 608807.
Cardiomyopathy (CMYO). Also called: Cardiomyopathies. Identifiers: Orphanet 167848, MedGen C0878544, MONDO:0004994, HP:0001638. Inheritance: Various modes of inheritance.
Cardiovascular phenotype. Identifiers: MedGen CN230736.

Allele frequency attached by ClinVar (database versions not stated): gnomAD exomes below 0.00001; ExAC 0.00001.
gnomAD v4.1: 6 of 1,611,352 alleles (0.00037%); highest among the groups gnomAD compares: Admixed American, 0.0017%; no homozygotes.

Submissions (4):

Labcorp Genetics (formerly Invitae), Labcorp
Classification: Pathogenic for Dilated cardiomyopathy 1G; Autosomal recessive limb-girdle muscular dystrophy type 2J. Last evaluated: 2025-11-03. Review status: criteria provided, single submitter. Criteria: Invitae Variant Classification Sherloc (09022015). Collection method: clinical testing. Allele origin: germline.
Comment: This sequence change creates a premature translational stop signal (p.Arg14679*) in the TTN gene. While this is not anticipated to result in nonsense mediated decay, it is expected to create a truncated TTN protein. The frequency data for this variant in the population databases is considered unreliable, as metrics indicate poor data quality at this position in the gnomAD database. This premature translational stop signal has been observed in individuals with centronuclear myopathy and/or dilated cardiomyopathy (PMID: 33449170; internal data). This variant is also known as c.44260C>T. ClinVar contains an entry for this variant (Variation ID: 571684). This variant is located in the I band of TTN (PMID: 25589632). Truncating variants in this region have been reported in individuals affected with autosomal recessive centronuclear myopathy (PMID: 23975875, internal data). Truncating variants in this region have also been identified in individuals affected with autosomal dominant dilated cardiomyopathy and/or cardio-related conditions (PMID: 27869827, 32964742, internal data). For these reasons, this variant has been classified as Pathogenic.

Ambry Genetics
Classification: Likely pathogenic for Cardiovascular phenotype. Last evaluated: 2025-04-08. Review status: criteria provided, single submitter. Criteria: Ambry Variant Classification Scheme 2023. Collection method: clinical testing. Allele origin: germline.
Comment: The p.R5614* variant (also known as c.16840C>T), located in coding exon 65 of the TTN gene, results from a C to T substitution at nucleotide position 16840. This changes the amino acid from an arginine to a stop codon within coding exon 65. This exon is located in the I-band region of the N2-B isoform of the titin protein and is constitutively expressed in TTN transcripts (percent spliced in or PSI 100%). This variant, reported as p.R14679* (c.44035C>T, NM_001267550.1), was identified in a cohort of French patients with dilated cardiomyopathy (Perret C et al. Clin Genet, 2024 Feb;105:185-189). This alteration is expected to result in loss of function by premature protein truncation or nonsense-mediated mRNA decay. While truncating variants in TTN are present in 1-3% of the general population, truncating variants in the A-band are the most common cause of dilated cardiomyopathy (DCM) (Herman DS et al. N. Engl. J. Med., 2012 Feb;366:619-28; Roberts AM et al. Sci Transl Med, 2015 Jan;7:270ra6). TTN truncating variants encoded in constitutive exons (PSI >90%) have been found to be significantly associated with DCM regardless of their position in titin (Schafer S et al. Nat. Genet., 2017 01;49:46-53). This variant is considered to be rare based on population cohorts in the Genome Aggregation Database (gnomAD). As such, this alteration is classified as likely pathogenic.

GeneDx
Classification: Likely pathogenic. Last evaluated: 2025-03-20. Review status: criteria provided, single submitter. Criteria: GeneDx Variant Classification Process June 2021. Collection method: clinical testing. Allele origin: germline. Affected: yes.
Comment: Located in a specific region of the I-band within TTN for which truncating variants are significantly associated with autosomal dominant cardiomyopathy and also with autosomal recessive skeletal myopathies (PMID: 27625338, 27869827, 32778822); Reported with a TTN missense variant in an infant with prenatal-onset centronuclear myopathy; it is unknown if the variants were on opposite alleles (in trans) (PMID: 33449170); Not observed at significant frequency in large population cohorts (gnomAD); This variant is associated with the following publications: (PMID: 38155593, 27625338, 27869827, 32778822, 35177841, 33449170)

CHEO Genetics Diagnostic Laboratory, Children's Hospital of Eastern Ontario
Classification: Likely pathogenic for Cardiomyopathy. Last evaluated: 2023-03-29. Review status: criteria provided, single submitter. Criteria: ACMG Guidelines, 2015. Collection method: clinical testing. Allele origin: germline.

Literature cited by the submitters: PubMed 33449170 (cited by Labcorp Genetics (formerly Invitae), Labcorp); PubMed 25589632 (cited by Labcorp Genetics (formerly Invitae), Labcorp); PubMed 23975875 (cited by Labcorp Genetics (formerly Invitae), Labcorp); PubMed 27869827 (cited by Labcorp Genetics (formerly Invitae), Labcorp); PubMed 32964742 (cited by Labcorp Genetics (formerly Invitae), Labcorp); PubMed 37904629 (cited by Ambry Genetics).